The following is an entry in ClinVar:

ClinVar aggregate classification (germline): Likely benign. Review status: criteria provided, single submitter (1 of 4 stars). 2 submissions from 2 submitters: Likely benign (1). 1 of the submissions does not count toward it. Last evaluated 2023-10-13.

Conditions:
PEX6-related disorder. Also called: PEX6-related condition; PEX6-related disorders.
Peroxisome biogenesis disorder. Identifiers: Orphanet 79189, MedGen C1832200, MONDO:0019234. Disease mechanism: loss of function.

Allele frequency attached by ClinVar (database versions not stated): gnomAD exomes below 0.00001; TOPMed below 0.00001; gnomAD 0.00001; ExAC 0.00002.
gnomAD v4.1: 7 of 1,614,046 alleles (0.00043%); highest among the groups gnomAD compares: Non-Finnish European, 0.00059%; no homozygotes.

Submissions (2):

Labcorp Genetics (formerly Invitae), Labcorp
Classification: Likely benign for Peroxisome biogenesis disorder. Last evaluated: 2023-10-13. Review status: criteria provided, single submitter. Criteria: Invitae Variant Classification Sherloc (09022015). Collection method: clinical testing. Allele origin: germline.

PreventionGenetics, part of Exact Sciences
Classification: Likely benign for PEX6-related condition. Last evaluated: 2024-04-12. Review status: no assertion criteria provided. Collection method: clinical testing. Allele origin: germline. Not counted in ClinVar's aggregate classification.
Comment: This variant is classified as likely benign based on ACMG/AMP sequence variant interpretation guidelines (Richards et al. 2015 PMID: 25741868, with internal and published modifications).

NM_000287.4(PEX6):c.783G>T (p.Pro261=)

Gene: PEX6 (peroxisomal biogenesis factor 6; minus strand). Cytogenetic location: 6p21.1.
Variant type: single nucleotide variant.
Coding change: c.783G>T on transcript NM_000287.4 (MANE Select); coding-DNA position 783, G replaced by T.
Protein change: p.Pro261=; no amino-acid change (proline 261 retained).
Molecular consequence: synonymous variant. On other transcripts: non-coding transcript variant (1), intron variant (1).
Genome position (GRCh38, 1-based): chr6:42,978,368, C>A on the plus strand (G>T on the coding strand, the complement: PEX6 is on the minus strand). VCF-style: chr6-42978368-C-A. GRCh37 (hg19) VCF-style: chr6-42946106-C-A.
Other names: c.618+165G>T (NM_001316313.2); c.783G>T (NM_000287.3).
Identifiers: ClinVar variation 1561135 (VCV001561135.12), dbSNP rs765629238, ClinGen allele CA3811565.